The following is an entry in ClinVar:

NM_024757.5(EHMT1):c.1143C>A (p.Ser381Arg)

Gene: EHMT1 (euchromatic histone lysine methyltransferase 1; plus strand). Cytogenetic location: 9q34.3.
Variant type: single nucleotide variant.
Coding change: c.1143C>A on transcript NM_024757.5 (MANE Select); coding-DNA position 1143, C replaced by A.
Protein change: p.Ser381Arg; replaces serine 381 with arginine.
Molecular consequence: missense variant.
Genome position (GRCh38, 1-based): chr9:137,744,063, C>A. VCF-style: chr9-137744063-C-A. GRCh37 (hg19) VCF-style: chr9-140638515-C-A.
Other names: c.1143C>A, p.Ser381Arg (NM_001145527.2, NM_001354611.2); c.1050C>A, p.Ser350Arg (NM_001354259.2, NM_001354612.2); c.1122C>A, p.Ser374Arg (NM_001354263.2); short protein forms S350R, S381R, S374R.
Identifiers: ClinVar variation 2807871 (VCV002807871.4), dbSNP rs1360406576, ClinGen allele CA375779939.

ClinVar aggregate classification (germline): Uncertain significance. Review status: criteria provided, multiple submitters, no conflicts (2 of 4 stars). 2 submissions from 2 submitters: Uncertain significance (2). Last evaluated 2026-01-19.

Conditions:
Kleefstra syndrome 1 (KLEFS1). Identifiers: Orphanet 261494, MedGen C0795833, MONDO:0027407, OMIM 610253.

Submissions (2):

Labcorp Genetics (formerly Invitae), Labcorp
Classification: Uncertain significance for Kleefstra syndrome 1. Last evaluated: 2026-01-19. Review status: criteria provided, single submitter. Criteria: Invitae Variant Classification Sherloc (09022015). Collection method: clinical testing. Allele origin: germline.
Comment: This sequence change replaces serine, which is neutral and polar, with arginine, which is basic and polar, at codon 381 of the EHMT1 protein (p.Ser381Arg). This variant is not present in population databases (gnomAD no frequency). This variant has not been reported in the literature in individuals affected with EHMT1-related conditions. ClinVar contains an entry for this variant (Variation ID: 2807871). An algorithm developed to predict the effect of missense changes on protein structure and function (PolyPhen-2) suggests that this variant is likely to be tolerated. In summary, the available evidence is currently insufficient to determine the role of this variant in disease. Therefore, it has been classified as a Variant of Uncertain Significance.

Greenwood Genetic Center Diagnostic Laboratories, Greenwood Genetic Center
Classification: Uncertain significance. Last evaluated: 2024-07-11. Review status: criteria provided, single submitter. Criteria: ACMG Guidelines, 2015. Collection method: clinical testing. Allele origin: germline. Affected: yes.
Comment: PM2, BP4